The following is an entry in ClinVar:

NM_014797.3(ZBTB24):c.1329C>G (p.Phe443Leu)

Gene: ZBTB24 (zinc finger and BTB domain containing 24; minus strand). Cytogenetic location: 6q21.
Variant type: single nucleotide variant.
Coding change: c.1329C>G on transcript NM_014797.3 (MANE Select); coding-DNA position 1329, C replaced by G.
Protein change: p.Phe443Leu; replaces phenylalanine 443 with leucine.
Molecular consequence: missense variant.
Genome position (GRCh38, 1-based): chr6:109,467,694, G>C on the plus strand (C>G on the coding strand, the complement: ZBTB24 is on the minus strand). VCF-style: chr6-109467694-G-C. GRCh37 (hg19) VCF-style: chr6-109788897-G-C.
Other names: short protein forms F443L.
Identifiers: ClinVar variation 1026391 (VCV001026391.7), dbSNP rs1170480622, ClinGen allele CA365199295.

ClinVar aggregate classification (germline): Uncertain significance (1 of 4 stars; one submission).

Conditions:
Immunodeficiency-centromeric instability-facial anomalies syndrome 2 (ICF2). Identifiers: Orphanet 2268, MedGen C3279748, MONDO:0013553, OMIM 614069.

Allele frequency attached by ClinVar (database versions not stated): gnomAD exomes below 0.00001.
gnomAD v4.1: 1 of 1,613,898 alleles (0.000062%); highest among the groups gnomAD compares: Non-Finnish European, 0.000085%; no homozygotes.

Submission:

Labcorp Genetics (formerly Invitae), Labcorp
Classification: Uncertain significance for Immunodeficiency-centromeric instability-facial anomalies syndrome 2. Last evaluated: 2024-10-07. Review status: criteria provided, single submitter. Criteria: Invitae Variant Classification Sherloc (09022015). Collection method: clinical testing. Allele origin: germline.
Comment: This sequence change replaces phenylalanine, which is neutral and non-polar, with leucine, which is neutral and non-polar, at codon 443 of the ZBTB24 protein (p.Phe443Leu). This variant is present in population databases (no rsID available, gnomAD 0.0009%). This variant has not been reported in the literature in individuals affected with ZBTB24-related conditions. ClinVar contains an entry for this variant (Variation ID: 1026391). An algorithm developed to predict the effect of missense changes on protein structure and function (PolyPhen-2) suggests that this variant is likely to be disruptive. In summary, the available evidence is currently insufficient to determine the role of this variant in disease. Therefore, it has been classified as a Variant of Uncertain Significance.